The following is an entry in ClinVar:

NC_000007.13:g.(?_92077044)_(92085876_?)del

Gene: GATAD1 (GATA zinc finger domain containing 1; plus strand). Cytogenetic location: 7q21.2.
Variant type: Deletion.
Identifiers: ClinVar variation 2426675 (VCV002426675.4).

ClinVar aggregate classification (germline): Uncertain significance (1 of 4 stars; one submission).

Conditions:
Dilated cardiomyopathy 2B. Identifiers: Orphanet 154, MedGen C3553409, MONDO:0013848, OMIM 614672.

Submission:

Labcorp Genetics (formerly Invitae), Labcorp
Classification: Uncertain significance for Dilated cardiomyopathy 2B. Last evaluated: 2023-08-15. Review status: criteria provided, single submitter. Criteria: Invitae Variant Classification Sherloc (09022015). Collection method: clinical testing. Allele origin: germline.
Comment: In summary, the available evidence is currently insufficient to determine the role of this variant in disease. Therefore, it has been classified as a Variant of Uncertain Significance. This variant has not been reported in the literature in individuals affected with GATAD1-related conditions. A gross deletion of the genomic region encompassing the full coding sequence of the GATAD1 gene has been identified. The current clinical and genetic evidence is not sufficient to establish whether loss-of-function variants in GATAD1 cause disease. The boundaries of this event are unknown as they extend beyond the assayed region for this gene and therefore may encompass additional genes.